The following is an entry in ClinVar:

ClinVar aggregate classification (germline): Uncertain significance (1 of 4 stars; one submission).

Submission:

GeneDx
Classification: Uncertain significance. Last evaluated: 2025-08-16. Review status: criteria provided, single submitter. Criteria: GeneDx Variant Classification Process June 2021. Collection method: clinical testing. Allele origin: germline. Affected: yes.
Comment: Not observed at significant frequency in large population cohorts (gnomAD); In silico analysis supports that this missense variant has a deleterious effect on protein structure/function; Has not been previously published as pathogenic or benign to our knowledge

NM_003458.4(BSN):c.7189G>C (p.Glu2397Gln)

Gene: BSN (bassoon presynaptic cytomatrix protein; plus strand). Cytogenetic location: 3p21.31.
Variant type: single nucleotide variant.
Coding change: c.7189G>C on transcript NM_003458.4 (MANE Select); coding-DNA position 7189, G replaced by C.
Protein change: p.Glu2397Gln; replaces glutamic acid 2397 with glutamine.
Molecular consequence: missense variant.
Genome position (GRCh38, 1-based): chr3:49,656,745, G>C. VCF-style: chr3-49656745-G-C. GRCh37 (hg19) VCF-style: chr3-49694178-G-C.
Other names: short protein forms E2397Q.
Identifiers: ClinVar variation 4795625 (VCV004795625.1).
Genomic context (GRCh38, chr3:49,656,745, plus strand): 5'-CGGGAGCGGGTGGAGTTGGAGAAGCTGCGACAACTTCGGCTGCAAGAGGAGCTAGAGCGG[G>C]AACGTGTGGAGCTGCAGAGGCACCGTGAGGAGGAGCAGCTGCTGGTGCAGCGGGAGTTGC-3'
Protein context (NP_003449.2, residues 2387-2407): QLRLQEELER[Glu2397Gln]RVELQRHREE